The following is an entry in ClinVar:

ClinVar aggregate classification (germline): Pathogenic (1 of 4 stars; one submission).

Conditions:
Pontocerebellar hypoplasia type 3 (PCH3). Also called: PCH WITH OPTIC ATROPHY; CEREBELLAR ATROPHY WITH PROGRESSIVE MICROCEPHALY. Identifiers: Orphanet 97249, MedGen C1842687, MONDO:0011948, OMIM 608027.

Submission:

Women's Health and Genetics/Laboratory Corporation of America, LabCorp
Classification: Pathogenic for Pontocerebellar hypoplasia type 3. Last evaluated: 2023-05-25. Review status: criteria provided, single submitter. Criteria: LabCorp Variant Classification Summary - May 2015. Collection method: clinical testing. Allele origin: germline.
Comment: Variant summary: PCLO c.1451delC (p.Pro484LeufsX75) results in a premature termination codon, predicted to cause a truncation of the encoded protein or absence of the protein due to nonsense mediated decay, which are commonly known mechanisms for disease. The variant was absent in 248620 control chromosomes (gnomAD). To our knowledge, no occurrence of c.1451delC in individuals affected with Pontocerebellar Hypoplasia Type 3 and no experimental evidence demonstrating its impact on protein function have been reported. No clinical diagnostic laboratories have submitted clinical-significance assessments for this variant to ClinVar after 2014. Based on the evidence outlined above, the variant was classified as pathogenic.

NM_033026.6(PCLO):c.1451del (p.Pro484fs)

Gene: PCLO (piccolo presynaptic cytomatrix protein; minus strand). Cytogenetic location: 7q21.11.
Variant type: Deletion.
Coding change: c.1451del on transcript NM_033026.6 (MANE Select); coding-DNA position 1451, one base deleted (C; older notation c.1451delC).
Protein change: p.Pro484fs; shifts the reading frame from proline 484.
Molecular consequence: frameshift variant.
Genome position (GRCh38, 1-based): chr7:83,155,190, G deleted on the plus strand (C on the coding strand, the reverse complement: PCLO is on the minus strand); the first of 2 consecutive G bases (chr7:83,155,190-83,155,191); deleting either gives the same sequence. VCF-style (leftmost placement, unchanged base first): chr7-83155189-AG-A. GRCh37 (hg19) VCF-style: chr7-82784505-AG-A.
Other names: c.1451del, p.Pro484fs (NM_014510.3); short protein forms P484fs.
Identifiers: ClinVar variation 2506068 (VCV002506068.1), dbSNP rs2484900067, ClinGen allele CA2580615907.